The following is an entry in ClinVar:

ClinVar aggregate classification (germline): Pathogenic. Review status: criteria provided, multiple submitters, no conflicts (2 of 4 stars). 2 submissions from 2 submitters: Pathogenic (2). Last evaluated 2024-08-05.

Conditions:
Hypodontia. Also called: Partial congenital absence of teeth; Tooth agenesis, selective. Identifiers: Orphanet 99798, MedGen C0020608, MONDO:0005486, HP:0000668. Disease mechanism: loss of function.
Tooth agenesis, selective, 3 (STHAG3). Also called: HYPODONTIA/OLIGODONTIA 3. Identifiers: Orphanet 99798, MedGen C1970291, MONDO:0011477, OMIM 604625. Disease mechanism: loss of function.

Submissions (2):

Labcorp Genetics (formerly Invitae), Labcorp
Classification: Pathogenic for Hypodontia. Last evaluated: 2024-08-05. Review status: criteria provided, single submitter. Criteria: Invitae Variant Classification Sherloc (09022015). Collection method: clinical testing. Allele origin: germline.
Comment: This sequence change creates a premature translational stop signal (p.Tyr217Leufs*100) in the PAX9 gene. While this is not anticipated to result in nonsense mediated decay, it is expected to disrupt the last 125 amino acid(s) of the PAX9 protein. This variant is not present in population databases (gnomAD no frequency). This premature translational stop signal has been observed in individual(s) with PAX9-related conditions (PMID: 35897718; Invitae). ClinVar contains an entry for this variant (Variation ID: 1693561). This variant disrupts the C-terminus of the PAX9 protein. Other variant(s) that disrupt this region (p.Gln282Leufs*36) have been observed in individuals with PAX9-related conditions (Invitae). This suggests that this may be a clinically significant region of the protein. For these reasons, this variant has been classified as Pathogenic.

Department of Prosthodontics, Peking University School and Hospital of Stomatology
Classification: Pathogenic for Tooth agenesis, selective, 3. Last evaluated: 2022-05-16. Review status: criteria provided, single submitter. Criteria: ACMG Guidelines, 2015. Collection method: provider interpretation. Allele origin: germline. Affected: yes.

Literature cited by the submitters: PubMed 35897718 (cited by Labcorp Genetics (formerly Invitae), Labcorp).

NM_001372076.1(PAX9):c.648dup (p.Tyr217fs)

Gene: PAX9 (paired box 9; plus strand). Cytogenetic location: 14q13.3.
Variant type: Duplication.
Coding change: c.648dup on transcript NM_001372076.1 (MANE Select); coding-DNA position 648, one base duplicated (C; older notation c.648dupC).
Protein change: p.Tyr217fs; shifts the reading frame from tyrosine 217.
Molecular consequence: frameshift variant.
Genome position (GRCh38, 1-based): chr14:36,666,478, C duplicated; the last of 5 consecutive C bases (chr14:36,666,474-36,666,478); duplicating any one gives the same sequence. VCF-style (leftmost placement, unchanged base first): chr14-36666473-T-TC. GRCh37 (hg19) VCF-style: chr14-37135678-T-TC.
Other names: c.648dup, p.Tyr217fs (NM_006194.4); c.648_649insC (NM_001372076.1); short protein forms Y217fs.
Identifiers: ClinVar variation 1693561 (VCV001693561.3), dbSNP rs2139112502, ClinGen allele CA2580088079.
Genomic context (GRCh38, chr14:36,666,473, plus strand): 5'-GGCGCGCGGGCTGGGCCTCCGGCCTGACACCCTCTCTTCTCTCCATCAGTGAGCGACAGC[T>TC]CCCCCTACCACAGCCCCAAGGTGGAGGAGTGGAGCAGCCTGGGCCGCAACAACTTCCCCG-3'